The following is an entry in ClinVar:

NM_001111067.4(ACVR1):c.44C>G (p.Ala15Gly)

Gene: ACVR1 (activin A receptor type 1; minus strand). Cytogenetic location: 2q24.1.
Variant type: single nucleotide variant.
Coding change: c.44C>G on transcript NM_001111067.4 (MANE Select); coding-DNA position 44, C replaced by G.
Protein change: p.Ala15Gly; replaces alanine 15 with glycine.
Molecular consequence: missense variant.
Genome position (GRCh38, 1-based): chr2:157,799,450, G>C on the plus strand (C>G on the coding strand, the complement: ACVR1 is on the minus strand). VCF-style: chr2-157799450-G-C. GRCh37 (hg19) VCF-style: chr2-158655962-G-C.
Other names: c.44C>G, p.Ala15Gly (NM_001105.5, NM_001347663.1, NM_001347664.1 and 3 more transcripts); short protein forms A15G.
Identifiers: ClinVar variation 257465 (VCV000257465.44), dbSNP rs13406336, ClinGen allele CA1919257.

ClinVar aggregate classification (germline): Benign/Likely benign. Review status: criteria provided, multiple submitters, no conflicts (2 of 4 stars). 8 submissions from 8 submitters: Benign (7); Likely benign (1). Last evaluated 2026-04-01.

Conditions:
Progressive myositis ossificans (FOP). Also called: Myositis ossificans progressiva; Progressive ossifying myositis; Fibrodysplasia Ossificans Progressiva. Identifiers: Orphanet 337, MedGen C0016037, MONDO:0007606, OMIM 135100.

Allele frequency attached by ClinVar (database versions not stated): 1000 Genomes Project 30x 0.00656; gnomAD 0.00680 and 0.00586; 1000 Genomes Project 0.00739; gnomAD exomes 0.01039; ExAC 0.01098; TOPMed 0.00537; ESP Exome Variant Server 0.00615.
gnomAD v4.1: 13,823 of 1,611,556 alleles (0.86%); highest among the groups gnomAD compares: South Asian, 4%; 177 homozygotes.

Submissions (8):

CeGaT Center for Human Genetics Tuebingen
Classification: Benign. Last evaluated: 2026-04-01. Review status: criteria provided, single submitter. Criteria: CeGaT Center For Human Genetics Tuebingen Variant Classification Criteria Version 2. Collection method: clinical testing. Allele origin: germline. Affected: yes. Observed: 6 variant alleles.
Comment: ACVR1: BS1, BS2

Labcorp Genetics (formerly Invitae), Labcorp
Classification: Benign. Last evaluated: 2026-02-02. Review status: criteria provided, single submitter. Criteria: Invitae Variant Classification Sherloc (09022015). Collection method: clinical testing. Allele origin: germline.

Genome-Nilou Lab
Classification: Benign for Progressive myositis ossificans. Last evaluated: 2021-12-05. Review status: criteria provided, single submitter. Criteria: ACMG Guidelines, 2015. Collection method: clinical testing. Allele origin: germline. Affected: no.

GeneDx
Classification: Likely benign. Last evaluated: 2020-11-25. Review status: criteria provided, single submitter. Criteria: GeneDx Variant Classification Process June 2021. Collection method: clinical testing. Allele origin: germline. Affected: yes.
Comment: See Variant Classification Assertion Criteria.

Illumina Laboratory Services, Illumina
Classification: Benign for Progressive myositis ossificans. Last evaluated: 2018-01-13. Review status: criteria provided, single submitter. Criteria: ICSL Variant Classification Criteria 13 December 2019. Collection method: clinical testing. Allele origin: germline.
Comment: This variant was observed in the ICSL laboratory as part of a predisposition screen in an ostensibly healthy population. It had not been previously curated by ICSL or reported in the Human Gene Mutation Database (HGMD: prior to June 1st, 2018), and was therefore a candidate for classification through an automated scoring system. Utilizing variant allele frequency, disease prevalence and penetrance estimates, and inheritance mode, an automated score was calculated to assess if this variant is too frequent to cause the disease. Based on the score and internal cut-off values, a variant classified as benign is not then subjected to further curation. The score for this variant resulted in a classification of benign for this disease.

Eurofins Ntd Llc (ga)
Classification: Benign. Last evaluated: 2015-12-09. Review status: criteria provided, single submitter. Criteria: EGL Classification Definitions 2015. Collection method: clinical testing. Allele origin: germline. Observed: 1 variant allele, 1 heterozygote.

Breakthrough Genomics
Classification: Benign. Review status: criteria provided, single submitter. Criteria: ACMG Guidelines, 2015. Collection method: not provided. Allele origin: germline. Inheritance: Autosomal dominant inheritance. Affected: yes.

PreventionGenetics, part of Exact Sciences
Classification: Benign. Review status: criteria provided, single submitter. Criteria: ACMG Guidelines, 2015. Collection method: clinical testing. Allele origin: germline.